The following is an entry in ClinVar:

NM_000093.5(COL5A1):c.3007G>T (p.Gly1003Cys)

Gene: COL5A1 (collagen type V alpha 1 chain; plus strand). Cytogenetic location: 9q34.3.
Variant type: single nucleotide variant.
Coding change: c.3007G>T on transcript NM_000093.5 (MANE Select); coding-DNA position 3007, G replaced by T.
Protein change: p.Gly1003Cys; replaces glycine 1003 with cysteine.
Molecular consequence: missense variant.
Genome position (GRCh38, 1-based): chr9:134,802,888, G>T. VCF-style: chr9-134802888-G-T. GRCh37 (hg19) VCF-style: chr9-137694734-G-T.
Other names: c.3007G>T, p.Gly1003Cys (NM_001278074.1); short protein forms G1003C.
Identifiers: ClinVar variation 5019473 (VCV005019473.2).
Genomic context (GRCh38, chr9:134,802,888, plus strand): 5'-ATTCTCACTCCCTTGCAAGTCACTCGAAACGTCTGTGGCTGACACTGATTTTCCCCACAG[G>T]GTCCCACGGGAGAAACGGGCCCAATGGGTGAGCGTGGCCACCCTGGGCCCCCTGGACCCC-3'
Protein context (NP_000084.3, residues 993-1013): PGPPGVVGPQ[Gly1003Cys]PTGETGPMGE

ClinVar aggregate classification (germline): Uncertain significance (1 of 4 stars; one submission).

Conditions:
Ehlers-Danlos syndrome, classic type, 1 (EDSCL1). Also called: Ehlers-Danlos Syndrome, Classic Type, COL5A1-Related; EDS I; EHLERS-DANLOS SYNDROME, GRAVIS TYPE; EHLERS-DANLOS SYNDROME, SEVERE CLASSIC TYPE; Ehlers-Danlos syndrome, type 1. Identifiers: MedGen C0268335, MONDO:0019567, OMIM 130000.
Fibromuscular dysplasia, multifocal. Identifiers: MedGen C5543412, MONDO:0859151, OMIM 619329.

gnomAD v4.1: 1 of 1,610,860 alleles (0.000062%); highest among the groups gnomAD compares: Non-Finnish European, 0.000085%; no homozygotes.

Submission:

Juno Genomics, Hangzhou Juno Genomics, Inc
Classification: Uncertain significance for Ehlers-Danlos syndrome, classic type, 1; Fibromuscular dysplasia, multifocal. Review status: criteria provided, single submitter. Criteria: ACMG Guidelines, 2015. Collection method: clinical testing. Allele origin: germline.
Comment: Absent from controls (or at extremely low frequency if recessive) in Genome Aggregation Database.;Multiple lines of computational evidence support a deleterious effect on the gene or gene product.